The following is an entry in ClinVar:

NM_001291303.3(FAT4):c.755G>A (p.Ser252Asn)

Gene: FAT4 (FAT atypical cadherin 4; plus strand). Cytogenetic location: 4q28.1.
Variant type: single nucleotide variant.
Coding change: c.755G>A on transcript NM_001291303.3 (MANE Select); coding-DNA position 755, G replaced by A.
Protein change: p.Ser252Asn; replaces serine 252 with asparagine.
Molecular consequence: missense variant.
Genome position (GRCh38, 1-based): chr4:125,317,166, G>A. VCF-style: chr4-125317166-G-A. GRCh37 (hg19) VCF-style: chr4-126238321-G-A.
Other names: c.755G>A (NM_024582.5); c.755G>A, p.Ser252Asn (NM_001291285.3, NM_024582.6); short protein forms S252N.
Identifiers: ClinVar variation 1429517 (VCV001429517.7), dbSNP rs371889798, ClinGen allele CA3071856.

ClinVar aggregate classification (germline): Uncertain significance. Review status: criteria provided, multiple submitters, no conflicts (2 of 4 stars). 2 submissions from 2 submitters: Uncertain significance (2). Last evaluated 2025-08-11.

Conditions:
Van Maldergem syndrome 2 (VMLDS2). Identifiers: Orphanet 314679, MedGen C3809875, MONDO:0014242, OMIM 615546.
Hennekam lymphangiectasia-lymphedema syndrome 2 (HKLLS2). Identifiers: Orphanet 2136, MedGen C4014939, MONDO:0014454, OMIM 616006.

Allele frequency attached by ClinVar (database versions not stated): TOPMed below 0.00001; ExAC 0.00001; gnomAD exomes 0.00001; ESP Exome Variant Server 0.00008.
gnomAD v4.1: 18 of 1,605,640 alleles (0.0011%); highest among the groups gnomAD compares: Non-Finnish European, 0.0014%; no homozygotes.

Submissions (2):

Labcorp Genetics (formerly Invitae), Labcorp
Classification: Uncertain significance. Last evaluated: 2025-08-11. Review status: criteria provided, single submitter. Criteria: Invitae Variant Classification Sherloc (09022015). Collection method: clinical testing. Allele origin: germline.
Comment: This sequence change replaces serine, which is neutral and polar, with asparagine, which is neutral and polar, at codon 252 of the FAT4 protein (p.Ser252Asn). This variant is present in population databases (rs371889798, gnomAD 0.002%). This variant has not been reported in the literature in individuals affected with FAT4-related conditions. ClinVar contains an entry for this variant (Variation ID: 1429517). Invitae Evidence Modeling of protein sequence and biophysical properties (such as structural, functional, and spatial information, amino acid conservation, physicochemical variation, residue mobility, and thermodynamic stability) indicates that this missense variant is not expected to disrupt FAT4 protein function with a negative predictive value of 95%. In summary, the available evidence is currently insufficient to determine the role of this variant in disease. Therefore, it has been classified as a Variant of Uncertain Significance.

Fulgent Genetics
Classification: Uncertain significance for Van Maldergem syndrome 2; Hennekam lymphangiectasia-lymphedema syndrome 2. Last evaluated: 2024-04-01. Review status: criteria provided, single submitter. Criteria: ACMG Guidelines, 2015. Collection method: clinical testing. Allele origin: germline.